The following is an entry in ClinVar:

ClinVar aggregate classification (germline): Conflicting classifications of pathogenicity. Review status: criteria provided, conflicting classifications (1 of 4 stars). 7 submissions from 7 submitters: Uncertain significance (1); Benign (1); Likely benign (2). 3 of the submissions do not count toward it. Last evaluated 2026-01-15.

Conditions:
WDPCP-related disorder. Also called: WDPCP-related condition.
Inborn genetic diseases. Identifiers: MedGen C0950123, MeSH D030342.
Bardet-Biedl syndrome (BBS). Identifiers: Orphanet 110, MedGen C0752166, MONDO:0015229.
Bardet-Biedl syndrome 15 (BBS15). Identifiers: Orphanet 110, MedGen C3150127, MONDO:0014443, OMIM 615992.

Allele frequency attached by ClinVar (database versions not stated): gnomAD 0.00019 and 0.00012; gnomAD exomes 0.00029 and 0.00007; ExAC 0.00030; 1000 Genomes Project 30x 0.00125; 1000 Genomes Project 0.00140; TOPMed 0.00016.
gnomAD v4.1: 155 of 1,614,100 alleles (0.0096%); highest among the groups gnomAD compares: East Asian, 0.19%; no homozygotes.

Submissions (7):

Labcorp Genetics (formerly Invitae), Labcorp
Classification: Likely benign for Bardet-Biedl syndrome. Last evaluated: 2026-01-15. Review status: criteria provided, single submitter. Criteria: Invitae Variant Classification Sherloc (09022015). Collection method: clinical testing. Allele origin: germline.

Ambry Genetics
Classification: Likely benign for Inborn genetic diseases. Last evaluated: 2024-09-08. Review status: criteria provided, single submitter. Criteria: Ambry Variant Classification Scheme 2023. Collection method: clinical testing. Allele origin: germline.

Blueprint Genetics
Classification: Benign. Last evaluated: 2024-05-08. Review status: criteria provided, single submitter. Criteria: ACMG Guidelines, 2015. Collection method: clinical testing. Allele origin: germline.

Illumina Laboratory Services, Illumina
Classification: Uncertain significance for Bardet-Biedl syndrome 15. Last evaluated: 2018-01-13. Review status: criteria provided, single submitter. Criteria: ICSL Variant Classification Criteria 13 December 2019. Collection method: clinical testing. Allele origin: germline.

PreventionGenetics, part of Exact Sciences
Classification: Likely benign for WDPCP-related condition. Last evaluated: 2022-05-26. Review status: no assertion criteria provided. Collection method: clinical testing. Allele origin: germline. Not counted in ClinVar's aggregate classification.
Comment: This variant is classified as likely benign based on ACMG/AMP sequence variant interpretation guidelines (Richards et al. 2015 PMID: 25741868, with internal and published modifications).

Clinical Genetics DNA and cytogenetics Diagnostics Lab, Erasmus MC, Erasmus Medical Center
Classification: Likely benign. Review status: no assertion criteria provided. Collection method: clinical testing. Allele origin: germline. Affected: yes. Study: VKGL Data-share Consensus. Not counted in ClinVar's aggregate classification.

Laboratory of Diagnostic Genome Analysis, Leiden University Medical Center (LUMC)
Classification: Likely benign. Review status: no assertion criteria provided. Collection method: clinical testing. Allele origin: germline. Affected: yes. Study: VKGL Data-share Consensus. Not counted in ClinVar's aggregate classification.

NM_015910.7(WDPCP):c.1310G>T (p.Ser437Ile)

Gene: WDPCP (WD repeat containing planar cell polarity effector; minus strand). Cytogenetic location: 2p15.
Variant type: single nucleotide variant.
Coding change: c.1310G>T on transcript NM_015910.7 (MANE Select); coding-DNA position 1310, G replaced by T.
Protein change: p.Ser437Ile; replaces serine 437 with isoleucine.
Molecular consequence: missense variant. On other transcripts: non-coding transcript variant (3).
Genome position (GRCh38, 1-based): chr2:63,404,173, C>A on the plus strand (G>T on the coding strand, the complement: WDPCP is on the minus strand). VCF-style: chr2-63404173-C-A. GRCh37 (hg19) VCF-style: chr2-63631308-C-A.
Other names: c.833G>T, p.Ser278Ile (NM_001042692.3); c.1238G>T, p.Ser413Ile (NM_001354044.2); c.1310G>T, p.Ser437Ile (NM_001354045.2); short protein forms S437I, S413I, S278I.
Identifiers: ClinVar variation 336765 (VCV000336765.21), dbSNP rs367727948, ClinGen allele CA1682255.